The following is an entry in ClinVar:

ClinVar aggregate classification (germline): Benign. Review status: criteria provided, multiple submitters, no conflicts (2 of 4 stars). 3 submissions from 3 submitters: Benign (3). Last evaluated 2026-02-04.

Conditions:
Retinitis pigmentosa (RP). Identifiers: Orphanet 791, MedGen C0035334, MeSH D012174, MONDO:0019200, OMIM 268000. Inheritance: Autosomal dominant, autosomal recessive and X linked inheritance.

Allele frequency attached by ClinVar (database versions not stated): 1000 Genomes Project 0.00998; 1000 Genomes Project 30x 0.01093; TOPMed 0.01827; gnomAD 0.02205 and 0.02280; ESP Exome Variant Server 0.02237; gnomAD exomes 0.02261 and 0.02736; ExAC 0.02280.
gnomAD v4.1: 42,944 of 1,611,796 alleles (2.7%); highest among the groups gnomAD compares: Non-Finnish European, 3.1%; 695 homozygotes.

Submissions (3):

Labcorp Genetics (formerly Invitae), Labcorp
Classification: Benign. Last evaluated: 2026-02-04. Review status: criteria provided, single submitter. Criteria: Invitae Variant Classification Sherloc (09022015). Collection method: clinical testing. Allele origin: germline.

Illumina Laboratory Services, Illumina
Classification: Benign for Retinitis pigmentosa. Last evaluated: 2018-01-12. Review status: criteria provided, single submitter. Criteria: ICSL Variant Classification Criteria 13 December 2019. Collection method: clinical testing. Allele origin: germline.
Comment: This variant was observed in the ICSL laboratory as part of a predisposition screen in an ostensibly healthy population. It had not been previously curated by ICSL or reported in the Human Gene Mutation Database (HGMD: prior to June 1st, 2018), and was therefore a candidate for classification through an automated scoring system. Utilizing variant allele frequency, disease prevalence and penetrance estimates, and inheritance mode, an automated score was calculated to assess if this variant is too frequent to cause the disease. Based on the score and internal cut-off values, a variant classified as benign is not then subjected to further curation. The score for this variant resulted in a classification of benign for this disease.

Breakthrough Genomics
Classification: Benign. Review status: criteria provided, single submitter. Criteria: ACMG Guidelines, 2015. Collection method: not provided. Allele origin: germline. Inheritance: Autosomal dominant inheritance. Affected: yes.

NM_015629.4(PRPF31):c.564G>A (p.Glu188=)

Gene: PRPF31 (pre-mRNA processing factor 31; plus strand). Cytogenetic location: 19q13.42.
Variant type: single nucleotide variant.
Coding change: c.564G>A on transcript NM_015629.4 (MANE Select); coding-DNA position 564, G replaced by A.
Protein change: p.Glu188=; no amino-acid change (glutamic acid 188 retained).
Molecular consequence: synonymous variant.
Genome position (GRCh38, 1-based): chr19:54,123,785, G>A. VCF-style: chr19-54123785-G-A. GRCh37 (hg19) VCF-style: chr19-54627164-G-A.
Identifiers: ClinVar variation 330098 (VCV000330098.17), dbSNP rs1058572, ClinGen allele CA309325129.